The following is an entry in ClinVar:

ClinVar aggregate classification (germline): Pathogenic (1 of 4 stars; one submission).

Conditions:
LAMA2-related muscular dystrophy (LAMA2-RD). Also called: Laminin alpha 2-related dystrophy. Identifiers: MedGen C5679788, MONDO:0100228.

Submission:

Labcorp Genetics (formerly Invitae), Labcorp
Classification: Pathogenic for LAMA2-related muscular dystrophy. Last evaluated: 2022-09-09. Review status: criteria provided, single submitter. Criteria: Invitae Variant Classification Sherloc (09022015). Collection method: clinical testing. Allele origin: germline.
Comment: For these reasons, this variant has been classified as Pathogenic. This variant disrupts a region of the LAMA2 protein in which other variant(s) (p.Gly2889Arg) have been determined to be pathogenic (PMID: 16770791, 27234031, 29707938). This suggests that this is a clinically significant region of the protein, and that variants that disrupt it are likely to be disease-causing. This variant has not been reported in the literature in individuals affected with LAMA2-related conditions. This variant is a gross deletion of the genomic region encompassing exon(s) 45-65 of the LAMA2 gene, which includes the termination codon. This deletion extends beyond the assayed region for this gene and therefore may encompass additional genes. While this deletion is not anticipated to lead to nonsense mediated decay, it is expected to alter mRNA translation or result in a truncated protein product.

Literature cited by the submitters: PubMed 16770791; PubMed 27234031; PubMed 29707938.

NC_000006.11:g.(?_129766802)_(129837502_?)del

Gene: LAMA2 (laminin subunit alpha 2; plus strand). Cytogenetic location: 6q22.33.
Variant type: Deletion.
Identifiers: ClinVar variation 2423063 (VCV002423063.3).